The following is an entry in ClinVar:

ClinVar aggregate classification (germline): Uncertain significance (1 of 4 stars; one submission).

Conditions:
Oculofaciocardiodental syndrome (MCOPS2). Identifiers: Orphanet 2712, MedGen C1846265, MONDO:0010261, OMIM 300166.

Submission:

MVZ Medizinische Genetik Mainz
Classification: Uncertain significance for Oculofaciocardiodental syndrome. Last evaluated: 2022-01-04. Review status: criteria provided, single submitter. Criteria: UK Practice Guidelines For Variant Classification V4 01 2020. Collection method: clinical testing. Allele origin: germline. Inheritance: X-linked dominant inheritance. Affected: yes. Observed: 1 variant allele.
Comment: ACMG Criteria: PM2_SUP, PP3 (ACMG Version 3)

NM_001123385.2(BCOR):c.4904A>G (p.Asp1635Gly)

Gene: BCOR (BCL6 corepressor; minus strand). Cytogenetic location: Xp11.4.
Variant type: single nucleotide variant.
Coding change: c.4904A>G on transcript NM_001123385.2 (MANE Select); coding-DNA position 4904, A replaced by G.
Protein change: p.Asp1635Gly; replaces aspartic acid 1635 with glycine.
Molecular consequence: missense variant.
Genome position (GRCh38, 1-based): chrX:40,053,958, T>C on the plus strand (A>G on the coding strand, the complement: BCOR is on the minus strand). VCF-style: chrX-40053958-T-C. GRCh37 (hg19) VCF-style: chrX-39913211-T-C.
Other names: c.4802A>G, p.Asp1601Gly (NM_001123383.2, NM_017745.6); c.4748A>G, p.Asp1583Gly (NM_001123384.2); short protein forms D1583G, D1601G, D1635G.
Identifiers: ClinVar variation 3066263 (VCV003066263.1), dbSNP rs2519285205, ClinGen allele CA412733912.